The following is an entry in ClinVar:

NM_002335.4(LRP5):c.263A>G (p.Lys88Arg)

Gene: LRP5 (LDL receptor related protein 5; plus strand). Cytogenetic location: 11q13.2.
Variant type: single nucleotide variant.
Coding change: c.263A>G on transcript NM_002335.4 (MANE Select); coding-DNA position 263, A replaced by G.
Protein change: p.Lys88Arg; replaces lysine 88 with arginine.
Molecular consequence: missense variant. On other transcripts: 5 prime UTR variant (1).
Genome position (GRCh38, 1-based): chr11:68,348,018, A>G. VCF-style: chr11-68348018-A-G. GRCh37 (hg19) VCF-style: chr11-68115486-A-G.
Other names: c.-1503A>G (NM_001291902.2); c.263A>G (NM_002335.3); short protein forms K88R.
Identifiers: ClinVar variation 195167 (VCV000195167.18), dbSNP rs78219242, ClinGen allele CA241462.

ClinVar aggregate classification (germline): Conflicting classifications of pathogenicity. Review status: criteria provided, conflicting classifications (1 of 4 stars). 6 submissions from 6 submitters: Uncertain significance (2); Benign (1); Likely benign (3). Last evaluated 2026-01-21.

Conditions:
LRP5-related disorder. Also called: LRP5-related condition.

Allele frequency attached by ClinVar (database versions not stated): TOPMed 0.00094; gnomAD 0.00095 and 0.00086; gnomAD exomes 0.00008 and 0.00020; ExAC 0.00022; 1000 Genomes Project 0.00060; 1000 Genomes Project 30x 0.00078; ESP Exome Variant Server 0.00085.

Submissions (6):

Labcorp Genetics (formerly Invitae), Labcorp
Classification: Likely benign. Last evaluated: 2026-01-21. Review status: criteria provided, single submitter. Criteria: Invitae Variant Classification Sherloc (09022015). Collection method: clinical testing. Allele origin: germline.

Blueprint Genetics
Classification: Benign. Last evaluated: 2024-11-14. Review status: criteria provided, single submitter. Criteria: ACMG Guidelines, 2015. Collection method: clinical testing. Allele origin: germline.

PreventionGenetics, part of Exact Sciences
Classification: Likely benign for LRP5-related condition. Last evaluated: 2024-10-14. Review status: criteria provided, single submitter. Criteria: ACMG Guidelines, 2015. Collection method: clinical testing. Allele origin: germline.
Comment: This variant is classified as likely benign based on ACMG/AMP sequence variant interpretation guidelines (Richards et al. 2015 PMID: 25741868, with internal and published modifications).

ARUP Laboratories, Molecular Genetics and Genomics, ARUP Laboratories
Classification: Uncertain significance. Last evaluated: 2023-02-21. Review status: criteria provided, single submitter. Criteria: ARUP Molecular Germline Variant Investigation Process 2024. Collection method: clinical testing. Allele origin: germline.
Comment: The LRP5 c.263A>G; p.Lys88Arg variant (rs78219242) is not reported in the literature in individuals with LRP5-associated disease, however it was detected in an individual affected with early-onset high myopia (Gonzalez-Iglesias 2022). This variant is also reported in ClinVar (Variation ID: 195167). This variant is found in the African/African-American population with an allele frequency of 0.30% (77/24946 alleles) in the Genome Aggregation Database. Computational analyses are uncertain whether this variant is neutral or deleterious (REVEL: 0.56). Due to limited information, the clinical significance of this variant is uncertain at this time. References: Gonzalez-Iglesias E et al. Next-Generation Sequencing Screening of 43 Families with Non-Syndromic Early-Onset High Myopia: A Clinical and Genetic Study. Int J Mol Sci. 2022 Apr 11;23(8):4233. PMID: 35457050.

GeneDx
Classification: Likely benign. Last evaluated: 2018-05-11. Review status: criteria provided, single submitter. Criteria: GeneDx Variant Classification (06012015). Collection method: clinical testing. Allele origin: germline. Affected: yes.
Comment: This variant is considered likely benign or benign based on one or more of the following criteria: it is a conservative change, it occurs at a poorly conserved position in the protein, it is predicted to be benign by multiple in silico algorithms, and/or has population frequency not consistent with disease.

Eurofins Ntd Llc (ga)
Classification: Uncertain significance. Last evaluated: 2017-09-01. Review status: criteria provided, single submitter. Criteria: EGL Classification Definitions 2015. Collection method: clinical testing. Allele origin: germline. Observed: 2 variant alleles, 2 heterozygotes.